The following is an entry in ClinVar:

ClinVar aggregate classification (germline): Uncertain significance. Review status: criteria provided, multiple submitters, no conflicts (2 of 4 stars). 2 submissions from 2 submitters: Uncertain significance (2). Last evaluated 2025-12-16.

Conditions:
Mitochondrial complex II deficiency, nuclear type 1. Also called: SUCCINATE CoQ REDUCTASE DEFICIENCY. Identifiers: Orphanet 3208, MedGen C5700310, MONDO:0100294, OMIM 252011.
Pheochromocytoma/paraganglioma syndrome 5. Also called: Paragangliomas 5; SDHA-Related Hereditary Paraganglioma-Pheochromocytoma Syndrome. Identifiers: Orphanet 29072, MedGen C3279992, MONDO:0013602, OMIM 614165.
Hereditary cancer-predisposing syndrome. Also called: Tumor predisposition; Hereditary Cancer Syndrome; Neoplastic Syndromes, Hereditary; Hereditary neoplastic syndrome. Identifiers: Orphanet 140162, MedGen C0027672, MeSH D009386, MONDO:0015356.

gnomAD v4.1: 1 of 1,613,688 alleles (0.000062%); highest among the groups gnomAD compares: Non-Finnish European, 0.000085%; no homozygotes.

Submissions (2):

Labcorp Genetics (formerly Invitae), Labcorp
Classification: Uncertain significance for Pheochromocytoma/paraganglioma syndrome 5; Mitochondrial complex II deficiency, nuclear type 1. Last evaluated: 2025-12-16. Review status: criteria provided, single submitter. Criteria: Invitae Variant Classification Sherloc (09022015). Collection method: clinical testing. Allele origin: germline.
Comment: This sequence change replaces alanine, which is neutral and non-polar, with serine, which is neutral and polar, at codon 236 of the SDHA protein (p.Ala236Ser). This variant is not present in population databases (gnomAD no frequency). This variant has not been reported in the literature in individuals affected with SDHA-related conditions. ClinVar contains an entry for this variant (Variation ID: 3316838). Invitae Evidence Modeling of protein sequence and biophysical properties (such as structural, functional, and spatial information, amino acid conservation, physicochemical variation, residue mobility, and thermodynamic stability) has been performed for this missense variant. However, the output from this modeling did not meet the statistical confidence thresholds required to predict the impact of this variant on SDHA protein function. In summary, the available evidence is currently insufficient to determine the role of this variant in disease. Therefore, it has been classified as a Variant of Uncertain Significance.

Ambry Genetics
Classification: Uncertain significance for Hereditary cancer-predisposing syndrome. Last evaluated: 2024-04-24. Review status: criteria provided, single submitter. Criteria: Ambry Variant Classification Scheme 2023. Collection method: clinical testing. Allele origin: germline.
Comment: The p.A236S variant (also known as c.706G>T), located in coding exon 6 of the SDHA gene, results from a G to T substitution at nucleotide position 706. The alanine at codon 236 is replaced by serine, an amino acid with similar properties. This amino acid position is conserved. In addition, the in silico prediction for this alteration is inconclusive. Based on the available evidence, the clinical significance of this variant remains unclear.

NM_004168.4(SDHA):c.706G>T (p.Ala236Ser)

Gene: SDHA (succinate dehydrogenase complex flavoprotein subunit A; plus strand). Cytogenetic location: 5p15.33.
Variant type: single nucleotide variant.
Coding change: c.706G>T on transcript NM_004168.4 (MANE Select); coding-DNA position 706, G replaced by T.
Protein change: p.Ala236Ser; replaces alanine 236 with serine.
Molecular consequence: missense variant.
Genome position (GRCh38, 1-based): chr5:228,269, G>T. VCF-style: chr5-228269-G-T. GRCh37 (hg19) VCF-style: chr5-228384-G-T.
Other names: c.562G>T, p.Ala188Ser (NM_001294332.2); c.706G>T, p.Ala236Ser (NM_001330758.2); short protein forms A188S, A236S.
Identifiers: ClinVar variation 3316838 (VCV003316838.2).